The following is an entry in ClinVar:

NM_000368.5(TSC1):c.2128C>G (p.Gln710Glu)

Gene: TSC1 (TSC complex subunit 1; minus strand). Cytogenetic location: 9q34.13.
Variant type: single nucleotide variant.
Coding change: c.2128C>G on transcript NM_000368.5 (MANE Select); coding-DNA position 2128, C replaced by G.
Protein change: p.Gln710Glu; replaces glutamine 710 with glutamic acid.
Molecular consequence: missense variant. On other transcripts: non-coding transcript variant (4).
Genome position (GRCh38, 1-based): chr9:132,903,731, G>C on the plus strand (C>G on the coding strand, the complement: TSC1 is on the minus strand). VCF-style: chr9-132903731-G-C. GRCh37 (hg19) VCF-style: chr9-135779118-G-C.
Other names: c.2113C>G, p.Gln705Glu (NM_001406601.1, NM_001406602.1); c.2110C>G, p.Gln704Glu (NM_001406603.1, NM_001406604.1); c.2128C>G, p.Gln710Glu (NM_001406605.1, NM_001406606.1, NM_001406607.1 and 5 more transcripts); c.2125C>G, p.Gln709Glu (NM_001406608.1, NM_001406609.1, NM_001162426.2 and 4 more transcripts); c.1975C>G, p.Gln659Glu (NM_001406610.1, NM_001162427.2); c.1762C>G, p.Gln588Glu (NM_001406620.1, NM_001406621.1, NM_001406622.1 and 2 more transcripts); c.1765C>G, p.Gln589Glu (NM_001406624.1, NM_001362177.2, NM_001406614.1 and 5 more transcripts); c.1177C>G, p.Gln393Glu (NM_001406626.1); and 3 more; short protein forms Q392E, Q393E, Q709E, Q588E, Q659E, Q705E, Q359E, Q704E.
Identifiers: ClinVar variation 5031218 (VCV005031218.1).

ClinVar aggregate classification (germline): Uncertain significance (1 of 4 stars; one submission).

Conditions:
Hereditary cancer-predisposing syndrome. Also called: Neoplastic Syndromes, Hereditary; Tumor predisposition; Hereditary neoplastic syndrome; Hereditary Cancer Syndrome. Identifiers: Orphanet 140162, MedGen C0027672, MeSH D009386, MONDO:0015356.

Submission:

Ambry Genetics
Classification: Uncertain significance for Hereditary cancer-predisposing syndrome. Last evaluated: 2026-07-06. Review status: criteria provided, single submitter. Criteria: Ambry Variant Classification Scheme 2023. Collection method: clinical testing. Allele origin: germline.
Comment: The p.Q710E variant (also known as c.2128C>G), located in coding exon 15 of the TSC1 gene, results from a C to G substitution at nucleotide position 2128. The glutamine at codon 710 is replaced by glutamic acid, an amino acid with highly similar properties. This amino acid position is conserved. In addition, this alteration is predicted to be tolerated by in silico analysis. Based on the available evidence, the clinical significance of this variant remains unclear.